The following is an entry in ClinVar:

ClinVar aggregate classification (germline): Uncertain significance. Review status: criteria provided, multiple submitters, no conflicts (2 of 4 stars). 2 submissions from 2 submitters: Uncertain significance (2). Last evaluated 2024-12-10.

Conditions:
Brody myopathy. Also called: BRODY DISEASE. Identifiers: Orphanet 53347, MedGen C1832918, MONDO:0010977, OMIM 601003.
Inborn genetic diseases. Identifiers: MedGen C0950123, MeSH D030342.

Allele frequency attached by ClinVar (database versions not stated): gnomAD exomes below 0.00001; gnomAD 0.00001.
gnomAD v4.1: 4 of 1,614,086 alleles (0.00025%); highest among the groups gnomAD compares: East Asian, 0.0022%; no homozygotes.

Submissions (2):

Ambry Genetics
Classification: Uncertain significance for Inborn genetic diseases. Last evaluated: 2024-12-10. Review status: criteria provided, single submitter. Criteria: Ambry Variant Classification Scheme 2023. Collection method: clinical testing. Allele origin: germline.

Labcorp Genetics (formerly Invitae), Labcorp
Classification: Uncertain significance for Brody myopathy. Last evaluated: 2021-09-15. Review status: criteria provided, single submitter. Criteria: Invitae Variant Classification Sherloc (09022015). Collection method: clinical testing. Allele origin: germline.
Comment: This sequence change replaces arginine with tryptophan at codon 131 of the ATP2A1 protein (p.Arg131Trp). The arginine residue is moderately conserved and there is a moderate physicochemical difference between arginine and tryptophan. This variant is not present in population databases (ExAC no frequency). This variant has not been reported in the literature in individuals affected with ATP2A1-related conditions. Algorithms developed to predict the effect of missense changes on protein structure and function are either unavailable or do not agree on the potential impact of this missense change (SIFT: "Deleterious"; PolyPhen-2: "Probably Damaging"; Align-GVGD: "Class C0"). In summary, the available evidence is currently insufficient to determine the role of this variant in disease. Therefore, it has been classified as a Variant of Uncertain Significance.

NM_004320.6(ATP2A1):c.391C>T (p.Arg131Trp)

Gene: ATP2A1 (ATPase sarcoplasmic/endoplasmic reticulum Ca2+ transporting 1; plus strand). Cytogenetic location: 16p11.2.
Variant type: single nucleotide variant.
Coding change: c.391C>T on transcript NM_004320.6 (MANE Select); coding-DNA position 391, C replaced by T.
Protein change: p.Arg131Trp; replaces arginine 131 with tryptophan.
Molecular consequence: missense variant.
Genome position (GRCh38, 1-based): chr16:28,882,517, C>T. VCF-style: chr16-28882517-C-T. GRCh37 (hg19) VCF-style: chr16-28893838-C-T.
Other names: c.391C>T (NM_173201.3); c.16C>T, p.Arg6Trp (NM_001286075.2); c.391C>T, p.Arg131Trp (NM_173201.5); short protein forms R131W, R6W.
Identifiers: ClinVar variation 1407796 (VCV001407796.4), dbSNP rs1963516068, ClinGen allele CA395401168.
Genomic context (GRCh38, chr16:28,882,517, plus strand): 5'-AACGCAGAGAACGCCATCGAGGCCCTGAAGGAGTATGAGCCAGAGATGGGGAAGGTCTAC[C>T]GGGCTGACCGCAAGTCAGTGCAAAGGATCAAGGCTCGGGACATCGTCCCTGGGGACATCG-3'
Protein context (NP_004311.1, residues 121-141): EYEPEMGKVY[Arg131Trp]ADRKSVQRIK